The following is an entry in ClinVar:

ClinVar aggregate classification (germline): Uncertain significance. Review status: criteria provided, multiple submitters, no conflicts (2 of 4 stars). 2 submissions from 2 submitters: Uncertain significance (2). Last evaluated 2024-06-04.

Conditions:
Inborn genetic diseases. Identifiers: MedGen C0950123, MeSH D030342.

gnomAD v4.1: 6 of 1,613,906 alleles (0.00037%); highest among the groups gnomAD compares: African/African-American, 0.0067%; no homozygotes.

Submissions (2):

Ambry Genetics
Classification: Uncertain significance for Inborn genetic diseases. Last evaluated: 2024-06-04. Review status: criteria provided, single submitter. Criteria: Ambry Variant Classification Scheme 2023. Collection method: clinical testing. Allele origin: germline.

GeneDx
Classification: Uncertain significance. Last evaluated: 2020-07-24. Review status: criteria provided, single submitter. Criteria: GeneDx Variant Classification Process June 2021. Collection method: clinical testing. Allele origin: germline. Affected: yes.
Comment: In silico analysis supports that this missense variant has a deleterious effect on protein structure/function; Has not been previously published as pathogenic or benign to our knowledge

NM_024009.3(GJB3):c.337T>C (p.Cys113Arg)

Gene: GJB3 (gap junction protein beta 3; plus strand). Cytogenetic location: 1p34.3.
Variant type: single nucleotide variant.
Coding change: c.337T>C on transcript NM_024009.3 (MANE Select); coding-DNA position 337, T replaced by C.
Protein change: p.Cys113Arg; replaces cysteine 113 with arginine.
Molecular consequence: missense variant.
Genome position (GRCh38, 1-based): chr1:34,785,099, T>C. VCF-style: chr1-34785099-T-C. GRCh37 (hg19) VCF-style: chr1-35250700-T-C.
Other names: c.337T>C, p.Cys113Arg (NM_001005752.2); short protein forms C113R.
Identifiers: ClinVar variation 1313135 (VCV001313135.3), dbSNP rs372771182, ClinGen allele CA20571514.